The following is an entry in ClinVar:

ClinVar aggregate classification (germline): Pathogenic (1 of 4 stars; one submission).

Conditions:
Melnick-Needles syndrome (MNS). Also called: MELNICK-NEEDLES OSTEODYSPLASTY; OSTEODYSPLASTY OF MELNICK AND NEEDLES; Melnick-Needles Syndrome (FLNA-MNS). Identifiers: Orphanet 2484, MedGen C0025237, MONDO:0010650, OMIM 309350.
Frontometaphyseal dysplasia (FMD1). Identifiers: Orphanet 1826, MedGen C0265293, MONDO:0015942.
Heterotopia, periventricular, X-linked dominant (PVNH1). Also called: PERIVENTRICULAR NODULAR HETEROTOPIA 1; X-linked periventricular heterotopia; PERIVENTRICULAR NODULAR HETEROTOPIA 4; HETEROTOPIA, PERIVENTRICULAR, 1. Identifiers: Orphanet 2149, Orphanet 82004, MedGen C1848213, MONDO:0010233, OMIM 300049.
Oto-palato-digital syndrome, type II (OPD2). Also called: FACIOPALATOOSSEOUS SYNDROME; OPD II SYNDROME; Otopalatodigital Syndrome, Type II; Otopalatodigital Syndrome Type 2 (FLNA-OPD2). Identifiers: Orphanet 669, Orphanet 90652, MedGen C1844696, MONDO:0010571, OMIM 304120.

Submission:

Labcorp Genetics (formerly Invitae), Labcorp
Classification: Pathogenic for Oto-palato-digital syndrome, type II; Heterotopia, periventricular, X-linked dominant; Frontometaphyseal dysplasia; Melnick-Needles syndrome. Last evaluated: 2024-07-19. Review status: criteria provided, single submitter. Criteria: Invitae Variant Classification Sherloc (09022015). Collection method: clinical testing. Allele origin: germline.
Comment: This sequence change creates a premature translational stop signal (p.Glu567*) in the FLNA gene. It is expected to result in an absent or disrupted protein product. Loss-of-function variants in FLNA are known to be pathogenic (PMID: 16684786, 20730588, 26471271). This variant is not present in population databases (gnomAD no frequency). This variant has not been reported in the literature in individuals affected with FLNA-related conditions. Algorithms developed to predict the effect of sequence changes on RNA splicing suggest that this variant may disrupt the consensus splice site. For these reasons, this variant has been classified as Pathogenic.

Literature cited by the submitters: PubMed 16684786; PubMed 20730588; PubMed 26471271.

NM_001110556.2(FLNA):c.1699G>T (p.Glu567Ter)

Gene: FLNA (filamin A; minus strand). Cytogenetic location: Xq28.
Variant type: single nucleotide variant.
Coding change: c.1699G>T on transcript NM_001110556.2 (MANE Select); coding-DNA position 1699, G replaced by T.
Protein change: p.Glu567Ter; replaces glutamic acid 567 with a stop codon.
Molecular consequence: nonsense.
Genome position (GRCh38, 1-based): chrX:154,364,950, C>A on the plus strand (G>T on the coding strand, the complement: FLNA is on the minus strand). VCF-style: chrX-154364950-C-A. GRCh37 (hg19) VCF-style: chrX-153593318-C-A.
Other names: c.1699G>T, p.Glu567Ter (NM_001456.4); short protein forms E567*.
Identifiers: ClinVar variation 3757302 (VCV003757302.2).